The following is an entry in ClinVar:

ClinVar aggregate classification (germline): Likely benign (1 of 4 stars; one submission).

gnomAD v4.1: 2 of 1,613,964 alleles (0.00012%); highest among the groups gnomAD compares: Non-Finnish European, 0.00017%; no homozygotes.

Submission:

Mayo Clinic Laboratories, Mayo Clinic
Classification: Likely benign. Last evaluated: 2024-10-15. Review status: criteria provided, single submitter. Criteria: ACMG Guidelines, 2015. Collection method: clinical testing. Allele origin: germline. Observed: 1 variant allele.
Comment: BP4, BP7

NM_001378156.1(C1QB):c.192G>A (p.Gly64=)

Gene: C1QB (complement C1q B chain; plus strand). Cytogenetic location: 1p36.12.
Variant type: single nucleotide variant.
Coding change: c.192G>A on transcript NM_001378156.1 (MANE Select); coding-DNA position 192, G replaced by A.
Protein change: p.Gly64=; no amino-acid change (glycine 64 retained).
Molecular consequence: synonymous variant.
Genome position (GRCh38, 1-based): chr1:22,660,822, G>A. VCF-style: chr1-22660822-G-A. GRCh37 (hg19) VCF-style: chr1-22987315-G-A.
Other names: p.Gly66=; c.198G>A, p.Gly66= (NM_000491.5); c.192G>A, p.Gly64= (NM_001371184.3).
Identifiers: ClinVar variation 4684742 (VCV004684742.1).